The following is an entry in ClinVar:

ClinVar aggregate classification (germline): Benign/Likely benign. Review status: criteria provided, multiple submitters, no conflicts (2 of 4 stars). 5 submissions from 5 submitters: Benign (4); Likely benign (1). Last evaluated 2026-01-20.

Conditions:
Pseudohypoparathyroidism type 1B (PHP1B). Also called: Pseudohypoparathyroidism Type IB; PHP IB; Pseudohypoparathyroidism Ib (PHP-Ib). Identifiers: Orphanet 94089, MedGen C1864100, MONDO:0011301, OMIM 603233.

Allele frequency attached by ClinVar (database versions not stated): 1000 Genomes Project 0.01438; 1000 Genomes Project 30x 0.01499; TOPMed 0.02957; ESP Exome Variant Server 0.03148; gnomAD 0.03250 and 0.03442; gnomAD exomes 0.03313 and 0.04430; ExAC 0.03511.
gnomAD v4.1: 69,188 of 1,612,276 alleles (4.3%); highest among the groups gnomAD compares: Non-Finnish European, 5%; 1,792 homozygotes.

Submissions (5):

Labcorp Genetics (formerly Invitae), Labcorp
Classification: Benign. Last evaluated: 2026-01-20. Review status: criteria provided, single submitter. Criteria: Invitae Variant Classification Sherloc (09022015). Collection method: clinical testing. Allele origin: germline.

Blueprint Genetics
Classification: Likely benign. Last evaluated: 2024-11-28. Review status: criteria provided, single submitter. Criteria: ACMG Guidelines, 2015. Collection method: clinical testing. Allele origin: germline.

GeneDx
Classification: Benign. Last evaluated: 2021-05-05. Review status: criteria provided, single submitter. Criteria: GeneDx Variant Classification Process June 2021. Collection method: clinical testing. Allele origin: germline. Affected: yes.

Illumina Laboratory Services, Illumina
Classification: Benign for Pseudohypoparathyroidism type 1B. Last evaluated: 2018-01-13. Review status: criteria provided, single submitter. Criteria: ICSL Variant Classification Criteria 13 December 2019. Collection method: clinical testing. Allele origin: germline.
Comment: This variant was observed in the ICSL laboratory as part of a predisposition screen in an ostensibly healthy population. It had not been previously curated by ICSL or reported in the Human Gene Mutation Database (HGMD: prior to June 1st, 2018), and was therefore a candidate for classification through an automated scoring system. Utilizing variant allele frequency, disease prevalence and penetrance estimates, and inheritance mode, an automated score was calculated to assess if this variant is too frequent to cause the disease. Based on the score and internal cut-off values, a variant classified as benign is not then subjected to further curation. The score for this variant resulted in a classification of benign for this disease.

Breakthrough Genomics
Classification: Benign. Review status: criteria provided, single submitter. Criteria: ACMG Guidelines, 2015. Collection method: not provided. Allele origin: germline. Inheritance: Autosomal dominant inheritance. Affected: yes.

NM_001001433.3(STX16):c.443G>A (p.Arg148Gln)

Genes: STX16-NPEPL1 (STX16-NPEPL1 readthrough (NMD candidate); plus strand), STX16 (syntaxin 16; plus strand). Cytogenetic location: 20q13.32.
Variant type: single nucleotide variant.
Coding change: c.443G>A on transcript NM_001001433.3 (MANE Select); coding-DNA position 443, G replaced by A.
Protein change: p.Arg148Gln; replaces arginine 148 with glutamine.
Molecular consequence: missense variant. On other transcripts: non-coding transcript variant (1).
Genome position (GRCh38, 1-based): chr20:58,669,340, G>A. VCF-style: chr20-58669340-G-A. GRCh37 (hg19) VCF-style: chr20-57244396-G-A.
Other names: c.431G>A, p.Arg144Gln (NM_001134772.3); c.392G>A, p.Arg131Gln (NM_001134773.3); c.284G>A, p.Arg95Gln (NM_001204868.2); c.380G>A, p.Arg127Gln (NM_003763.6); short protein forms R148Q, R95Q, R127Q, R131Q, R144Q.
Identifiers: ClinVar variation 339048 (VCV000339048.13), dbSNP rs41276950, ClinGen allele CA9925318.